The following is an entry in ClinVar:

NM_030958.3(SLCO5A1):c.2372G>C (p.Arg791Pro)

Gene: SLCO5A1 (solute carrier organic anion transporter family member 5A1; minus strand). Cytogenetic location: 8q13.3.
Variant type: single nucleotide variant.
Coding change: c.2372G>C on transcript NM_030958.3 (MANE Select); coding-DNA position 2372, G replaced by C.
Protein change: p.Arg791Pro; replaces arginine 791 with proline.
Molecular consequence: missense variant. On other transcripts: 3 prime UTR variant (1).
Genome position (GRCh38, 1-based): chr8:69,673,044, C>G on the plus strand (G>C on the coding strand, the complement: SLCO5A1 is on the minus strand). VCF-style: chr8-69673044-C-G. GRCh37 (hg19) VCF-style: chr8-70585279-C-G.
Other names: c.*243G>C (NM_001146008.2); c.2207G>C, p.Arg736Pro (NM_001146009.1); short protein forms R736P, R791P.
Identifiers: ClinVar variation 2983197 (VCV002983197.3), dbSNP rs759957081, ClinGen allele CA371232079.

ClinVar aggregate classification (germline): Uncertain significance (1 of 4 stars; one submission).

Allele frequency attached by ClinVar (database versions not stated): TOPMed below 0.00001.
gnomAD v4.1: 1 of 1,614,186 alleles (0.000062%); highest among the groups gnomAD compares: Non-Finnish European, 0.000085%; no homozygotes.

Submission:

Labcorp Genetics (formerly Invitae), Labcorp
Classification: Uncertain significance. Last evaluated: 2022-11-06. Review status: criteria provided, single submitter. Criteria: Invitae Variant Classification Sherloc (09022015). Collection method: clinical testing. Allele origin: germline.
Comment: This variant is not present in population databases (gnomAD no frequency). In summary, the available evidence is currently insufficient to determine the role of this variant in disease. Therefore, it has been classified as a Variant of Uncertain Significance. Algorithms developed to predict the effect of missense changes on protein structure and function are either unavailable or do not agree on the potential impact of this missense change (SIFT: "Deleterious"; PolyPhen-2: "Probably Damaging"; Align-GVGD: "Class C15"). This variant has not been reported in the literature in individuals affected with SLCO5A1-related conditions. This sequence change replaces arginine, which is basic and polar, with proline, which is neutral and non-polar, at codon 791 of the SLCO5A1 protein (p.Arg791Pro).